The following is an entry in ClinVar:

NM_007294.4(BRCA1):c.1163G>C (p.Arg388Thr)

Gene: BRCA1 (BRCA1 DNA repair associated; minus strand). Cytogenetic location: 17q21.31.
Variant type: single nucleotide variant.
Coding change: c.1163G>C on transcript NM_007294.4 (MANE Select); coding-DNA position 1163, G replaced by C.
Protein change: p.Arg388Thr; replaces arginine 388 with threonine.
Molecular consequence: missense variant. On other transcripts: intron variant (137).
Genome position (GRCh38, 1-based): chr17:43,094,368, C>G on the plus strand (G>C on the coding strand, the complement: BRCA1 is on the minus strand). VCF-style: chr17-43094368-C-G. GRCh37 (hg19) VCF-style: chr17-41246385-C-G.
Other names: c.950G>C, p.Arg317Thr (NM_001407571.1, NM_001407853.1, NM_001407894.1 and 9 more transcripts); c.1163G>C, p.Arg388Thr (NM_001407581.1, NM_001407582.1, NM_001407583.1 and 30 more transcripts); c.1160G>C, p.Arg387Thr (NM_001407587.1, NM_001407590.1, NM_001407591.1 and 22 more transcripts); c.1154G>C, p.Arg385Thr (NM_001407646.1, NM_001407647.1); c.1040G>C, p.Arg347Thr (NM_001407648.1, NM_001407664.1, NM_001407665.1 and 19 more transcripts); c.1037G>C, p.Arg346Thr (NM_001407649.1, NM_001407670.1, NM_001407671.1 and 11 more transcripts); c.1085G>C, p.Arg362Thr (NM_001407653.1, NM_001407654.1, NM_001407655.1 and 4 more transcripts); c.1082G>C, p.Arg361Thr (NM_001407659.1, NM_001407660.1, NM_001407661.1 and 1 more transcripts); and 40 more; short protein forms R388T, R341T, R318T, R362T, R92T, R261T, R277T, R299T.
Identifiers: ClinVar variation 187229 (VCV000187229.17), dbSNP rs786203567, ClinGen allele CA000769.

ClinVar aggregate classification (germline): Conflicting classifications of pathogenicity. Review status: criteria provided, conflicting classifications (1 of 4 stars). 3 submissions from 3 submitters: Uncertain significance (2); Likely benign (1). Last evaluated 2023-03-23.

Conditions:
Hereditary cancer-predisposing syndrome. Also called: Neoplastic Syndromes, Hereditary; Tumor predisposition; Hereditary Cancer Syndrome; Hereditary neoplastic syndrome. Identifiers: Orphanet 140162, MedGen C0027672, MeSH D009386, MONDO:0015356.
Hereditary breast ovarian cancer syndrome. Also called: Hereditary breast and ovarian cancer; Hereditary breast and/or ovarian cancer syndrome; BRCA1- and BRCA2-Associated Hereditary Breast and Ovarian Cancer; Hereditary breast and ovarian cancer syndrome (HBOC); Hereditary breast and ovarian cancer syndrome; Breast and ovarian cancer. Identifiers: Orphanet 145, MedGen C0677776, MeSH D061325, MONDO:0003582. Disease mechanism: loss of function.

Submissions (3):

University of Washington Department of Laboratory Medicine, University of Washington
Classification: Likely benign for Hereditary cancer-predisposing syndrome. Last evaluated: 2023-03-23. Review status: criteria provided, single submitter. Criteria: Dines et al. (Genet Med. 2020). Collection method: curation. Allele origin: germline.
Comment: Missense variant in a coldspot region where missense variants are very unlikely to be pathogenic (PMID:31911673).

BRCA1 coldspot (exon 11 using historical exon numbering). Reclassification based on statistical prior probability

Labcorp Genetics (formerly Invitae), Labcorp
Classification: Uncertain significance for Hereditary breast ovarian cancer syndrome. Last evaluated: 2020-04-24. Review status: criteria provided, single submitter. Criteria: Invitae Variant Classification Sherloc (09022015). Collection method: clinical testing. Allele origin: germline.
Comment: In summary, the available evidence is currently insufficient to determine the role of this variant in disease. Therefore, it has been classified as a Variant of Uncertain Significance. This variant has not been reported in the literature in individuals with BRCA1-related conditions. ClinVar contains an entry for this variant (Variation ID: 187229). Algorithms developed to predict the effect of missense changes on protein structure and function are either unavailable or do not agree on the potential impact of this missense change (SIFT: "Tolerated"; PolyPhen-2: "Probably Damaging"; Align-GVGD: "Class C0"). This sequence change replaces arginine with threonine at codon 388 of the BRCA1 protein (p.Arg388Thr). The arginine residue is moderately conserved and there is a moderate physicochemical difference between arginine and threonine. This variant is not present in population databases (ExAC no frequency).

Ambry Genetics
Classification: Uncertain significance for Hereditary cancer-predisposing syndrome. Last evaluated: 2014-12-02. Review status: criteria provided, single submitter. Criteria: Ambry Variant Classification Scheme 2023. Collection method: clinical testing. Allele origin: germline.
Comment: The p.R388T variant (also known as c.1163G>C and 1282G>C), located in coding exon 9 of the BRCA1 gene, results from a G to C substitution at nucleotide position 1163. The arginine at codon 388 is replaced by threonine, an amino acid with similar properties. This variant was not reported in population based cohorts in the following databases: Database of Single Nucleotide Polymorphisms (dbSNP), NHLBI Exome Sequencing Project (ESP), and 1000 Genomes Project. In the ESP, this variant was not observed in 6503 samples (13006 alleles) with coverage at this position. To date, this alteration has been detected with an allele frequency of approximately 0.002% (greater than 64000 alleles tested) in our clinical cohort. This amino acid position is well conserved in available vertebrate species. In addition, this alteration is predicted to be deleterious by in silico analysis. Since supporting evidence is limited at this time, the clinical significance of p.R388T remains unclear.